The following is an entry in ClinVar:

ClinVar aggregate classification (germline): Likely pathogenic. Review status: criteria provided, multiple submitters, no conflicts (2 of 4 stars). 2 submissions from 2 submitters: Likely pathogenic (2). Last evaluated 2025-01-09.

Conditions:
Autosomal recessive nonsyndromic hearing loss 3. Also called: NEUROSENSORY NONSYNDROMIC RECESSIVE DEAFNESS 3. Identifiers: Orphanet 90636, MedGen C1838263, MONDO:0010860, OMIM 600316.

Submissions (2):

Institute of Rare Diseases, West China Hospital, Sichuan University
Classification: Likely pathogenic for Autosomal recessive nonsyndromic hearing loss 3. Last evaluated: 2025-01-09. Review status: criteria provided, single submitter. Criteria: ClinGen HL ACMG Specifications v1. Collection method: research. Allele origin: germline. Affected: yes.
Comment: PP3;PM3_Strong;PM2_Supporting

Clinical Genetics Service, Universitary Hospital 12 de Octubre
Classification: Likely pathogenic for Autosomal recessive nonsyndromic hearing loss 3. Review status: criteria provided, single submitter. Criteria: ACMG Guidelines, 2015. Collection method: clinical testing. Allele origin: maternal. Affected: yes.

NM_016239.4(MYO15A):c.3692+5G>C

Gene: MYO15A (myosin XVA; plus strand). Cytogenetic location: 17p11.2.
Variant type: single nucleotide variant.
Coding change: c.3692+5G>C on transcript NM_016239.4 (MANE Select); 5 bases into the intron after coding-DNA position 3692, G replaced by C.
Molecular consequence: intron variant.
Genome position (GRCh38, 1-based): chr17:18,124,570, G>C. VCF-style: chr17-18124570-G-C. GRCh37 (hg19) VCF-style: chr17-18027884-G-C.
Other names: c.3692+5G>C (NM_016239.3).
Identifiers: ClinVar variation 3601321 (VCV003601321.2).